The following is an entry in ClinVar:

NM_182961.4(SYNE1):c.3850C>T (p.Arg1284Trp)

Gene: SYNE1 (spectrin repeat containing nuclear envelope protein 1; minus strand). Cytogenetic location: 6q25.2.
Variant type: single nucleotide variant.
Coding change: c.3850C>T on transcript NM_182961.4 (MANE Select); coding-DNA position 3850, C replaced by T.
Protein change: p.Arg1284Trp; replaces arginine 1284 with tryptophan.
Molecular consequence: missense variant.
Genome position (GRCh38, 1-based): chr6:152,442,233, G>A on the plus strand (C>T on the coding strand, the complement: SYNE1 is on the minus strand). VCF-style: chr6-152442233-G-A. GRCh37 (hg19) VCF-style: chr6-152763368-G-A.
Other names: p.Arg1291Trp; c.3871C>T, p.Arg1291Trp (NM_033071.5); short protein forms R1284W, R1291W.
Identifiers: ClinVar variation 130442 (VCV000130442.24), dbSNP rs140780725, ClinGen allele CA155468.
Genomic context (GRCh38, chr6:152,442,233, plus strand): 5'-CTTCTCCCTGCTGCGCCTGCGCGATCTGCTGCTGCACATCTCTCTTCTTTGCTGAGATCC[G>A]CTTTGTCTTTTGCTAGAAGCATTTATTCAACAGATGGATATAAATTGTGCTCTCTAAACA-3'
Protein context (NP_892006.3, residues 1274-1294): LLLHHQQKTK[Arg1284Trp]ISAKKRDVQQ

ClinVar aggregate classification (germline): Uncertain significance. Review status: criteria provided, multiple submitters, no conflicts (2 of 4 stars). 6 submissions from 6 submitters: Uncertain significance (5). 1 of the submissions does not count toward it. Last evaluated 2025-11-01.

Conditions:
Emery-Dreifuss muscular dystrophy 4, autosomal dominant (EDMD4). Also called: EMERY-DREIFUSS MUSCULAR DYSTROPHY 4 WITH VARIABLE FEATURES. Identifiers: Orphanet 261, MedGen C2751807, MONDO:0013071, OMIM 612998.
Arthrogryposis multiplex congenita 3, myogenic type. Also called: ARTHROGRYPOSIS MULTIPLEX CONGENITA, MYOGENIC TYPE. Identifiers: MedGen C5193121, MONDO:0032778, OMIM 618484.
Autosomal recessive ataxia, Beauce type. Also called: SYNE1-Related Autosomal Recessive Cerebellar Ataxia; ATAXIA, RECESSIVE, OF BEAUCE; Spinocerebellar ataxia, autosomal recessive 8; SYNE1 Deficiency. Identifiers: Orphanet 88644, MedGen C1853116, MONDO:0012549, OMIM 610743.

Allele frequency attached by ClinVar (database versions not stated): ESP Exome Variant Server 0.00031; 1000 Genomes Project 0.00060; gnomAD 0.00021; TOPMed 0.00022; 1000 Genomes Project 30x 0.00094.
gnomAD v4.1: 53 of 1,612,906 alleles (0.0033%); highest among the groups gnomAD compares: African/African-American, 0.063%; no homozygotes.

Submissions (6):

Mayo Clinic Laboratories, Mayo Clinic
Classification: Uncertain significance. Last evaluated: 2025-11-01. Review status: criteria provided, single submitter. Criteria: ACMG Guidelines, 2015. Collection method: clinical testing. Allele origin: germline. Observed: 1 variant allele.
Comment: BP4

Labcorp Genetics (formerly Invitae), Labcorp
Classification: Uncertain significance for Emery-Dreifuss muscular dystrophy 4, autosomal dominant; Autosomal recessive ataxia, Beauce type. Last evaluated: 2022-09-01. Review status: criteria provided, single submitter. Criteria: Invitae Variant Classification Sherloc (09022015). Collection method: clinical testing. Allele origin: germline.
Comment: This sequence change replaces arginine, which is basic and polar, with tryptophan, which is neutral and slightly polar, at codon 1291 of the SYNE1 protein (p.Arg1291Trp). This variant is present in population databases (rs140780725, gnomAD 0.08%). This variant has not been reported in the literature in individuals affected with SYNE1-related conditions. ClinVar contains an entry for this variant (Variation ID: 130442). Algorithms developed to predict the effect of missense changes on protein structure and function are either unavailable or do not agree on the potential impact of this missense change (SIFT: "Deleterious"; PolyPhen-2: "Possibly Damaging"; Align-GVGD: "Class C0"). In summary, the available evidence is currently insufficient to determine the role of this variant in disease. Therefore, it has been classified as a Variant of Uncertain Significance.

Fulgent Genetics
Classification: Uncertain significance for Autosomal recessive ataxia, Beauce type; Emery-Dreifuss muscular dystrophy 4, autosomal dominant; Arthrogryposis multiplex congenita 3, myogenic type. Last evaluated: 2021-07-07. Review status: criteria provided, single submitter. Criteria: ACMG Guidelines, 2015. Collection method: clinical testing. Allele origin: unknown.

Revvity Omics, Revvity
Classification: Uncertain significance. Last evaluated: 2019-07-12. Review status: criteria provided, single submitter. Criteria: ACMG Guidelines, 2015. Collection method: clinical testing. Allele origin: germline.

Eurofins Ntd Llc (ga)
Classification: Uncertain significance. Last evaluated: 2017-11-09. Review status: criteria provided, single submitter. Criteria: EGL Classification Definitions 2015. Collection method: clinical testing. Allele origin: germline. Observed: 1 variant allele, 1 heterozygote.

Genetic Services Laboratory, University of Chicago
Classification: Likely benign for AllHighlyPenetrant. Review status: no assertion criteria provided. Collection method: clinical testing. Allele origin: germline. Inheritance: Autosomal dominant inheritance. Not counted in ClinVar's aggregate classification.
Comment: Likely benign based on allele frequency in 1000 Genomes Project or ESP global frequency and its presence in a patient with a rare or unrelated disease phenotype. NOT Sanger confirmed.